The following is an entry in ClinVar:

ClinVar aggregate classification (germline): Uncertain significance (1 of 4 stars; one submission).

Conditions:
RASopathy. Also called: rasopathies; Noonan spectrum disorder. Identifiers: Orphanet 536391, MedGen C5555857, MONDO:0021060.

Allele frequency attached by ClinVar (database versions not stated): gnomAD exomes below 0.00001.
gnomAD v4.1: 1 of 1,614,028 alleles (0.000062%); highest among the groups gnomAD compares: Non-Finnish European, 0.000085%; no homozygotes.

Submission:

Labcorp Genetics (formerly Invitae), Labcorp
Classification: Uncertain significance for RASopathy. Last evaluated: 2022-04-19. Review status: criteria provided, single submitter. Criteria: Invitae Variant Classification Sherloc (09022015). Collection method: clinical testing. Allele origin: germline.
Comment: This variant is not present in population databases (gnomAD no frequency). In summary, the available evidence is currently insufficient to determine the role of this variant in disease. Therefore, it has been classified as a Variant of Uncertain Significance. Advanced modeling of protein sequence and biophysical properties (such as structural, functional, and spatial information, amino acid conservation, physicochemical variation, residue mobility, and thermodynamic stability) performed at Invitae indicates that this missense variant is expected to disrupt SOS1 protein function. This variant has not been reported in the literature in individuals affected with SOS1-related conditions. This sequence change replaces tyrosine, which is neutral and polar, with asparagine, which is neutral and polar, at codon 1065 of the SOS1 protein (p.Tyr1065Asn).

NM_005633.4(SOS1):c.3193T>A (p.Tyr1065Asn)

Gene: SOS1 (SOS Ras/Rac guanine nucleotide exchange factor 1; minus strand). Cytogenetic location: 2p22.1.
Variant type: single nucleotide variant.
Coding change: c.3193T>A on transcript NM_005633.4 (MANE Select); coding-DNA position 3193, T replaced by A.
Protein change: p.Tyr1065Asn; replaces tyrosine 1065 with asparagine.
Molecular consequence: missense variant.
Genome position (GRCh38, 1-based): chr2:38,995,276, A>T on the plus strand (T>A on the coding strand, the complement: SOS1 is on the minus strand). VCF-style: chr2-38995276-A-T. GRCh37 (hg19) VCF-style: chr2-39222417-A-T.
Other names: c.3172T>A, p.Tyr1058Asn (NM_001382394.1); c.3193T>A, p.Tyr1065Asn (NM_001382395.1); short protein forms Y1065N, Y1058N.
Identifiers: ClinVar variation 1980043 (VCV001980043.4), dbSNP rs2528915192, ClinGen allele CA346360929.